The following is an entry in ClinVar:

NM_018418.5(SPATA7):c.700dup (p.Ser234fs)

Gene: SPATA7 (spermatogenesis associated 7; plus strand). Cytogenetic location: 14q31.3.
Variant type: Duplication.
Coding change: c.700dup on transcript NM_018418.5 (MANE Select); coding-DNA position 700, one base duplicated (T; older notation c.700dupT).
Protein change: p.Ser234fs; shifts the reading frame from serine 234.
Molecular consequence: frameshift variant.
Genome position (GRCh38, 1-based): chr14:88,426,559, T duplicated; the last of 4 consecutive T bases (chr14:88,426,556-88,426,559); duplicating any one gives the same sequence. VCF-style (leftmost placement, unchanged base first): chr14-88426555-C-CT. GRCh37 (hg19) VCF-style: chr14-88892899-C-CT.
Other names: c.604dup, p.Ser202fs (NM_001040428.4); short protein forms S202fs, S234fs.
Identifiers: ClinVar variation 1458662 (VCV001458662.6), dbSNP rs567890014, ClinGen allele CA2573150212.

ClinVar aggregate classification (germline): Pathogenic (1 of 4 stars; one submission).

Conditions:
Leber congenital amaurosis 3 (LCA3). Also called: SPATA7-Related Retinitis Pigmentosa. Identifiers: MedGen C1858677, MONDO:0011415, OMIM 604232.

Submission:

Labcorp Genetics (formerly Invitae), Labcorp
Classification: Pathogenic for Leber congenital amaurosis 3. Last evaluated: 2025-10-22. Review status: criteria provided, single submitter. Criteria: Invitae Variant Classification Sherloc (09022015). Collection method: clinical testing. Allele origin: germline.
Comment: This sequence change creates a premature translational stop signal (p.Ser234Phefs*2) in the SPATA7 gene. It is expected to result in an absent or disrupted protein product. Loss-of-function variants in SPATA7 are known to be pathogenic (PMID: 19268277, 22334370, 23847139, 26047050, 26261414). This variant is not present in population databases (gnomAD no frequency). This premature translational stop signal has been observed in individual(s) with SPATA7-related conditions (PMID: 29186038, 32865313). This variant is also known as c.697dupT (p.Leu232fs). ClinVar contains an entry for this variant (Variation ID: 1458662). For these reasons, this variant has been classified as Pathogenic.

Literature cited by the submitters: PubMed 19268277; PubMed 22334370; PubMed 23847139; PubMed 26047050; PubMed 26261414; PubMed 29186038; PubMed 32865313.